The following is an entry in ClinVar:

NM_020964.3(EPG5):c.4549C>T (p.Pro1517Ser)

Gene: EPG5 (ectopic P-granules 5 autophagy tethering factor; minus strand). Cytogenetic location: 18q21.1.
Variant type: single nucleotide variant.
Coding change: c.4549C>T on transcript NM_020964.3 (MANE Select); coding-DNA position 4549, C replaced by T.
Protein change: p.Pro1517Ser; replaces proline 1517 with serine.
Molecular consequence: missense variant.
Genome position (GRCh38, 1-based): chr18:45,901,093, G>A on the plus strand (C>T on the coding strand, the complement: EPG5 is on the minus strand). VCF-style: chr18-45901093-G-A. GRCh37 (hg19) VCF-style: chr18-43481058-G-A.
Other names: c.4549C>T, p.Pro1517Ser (LRG_1234t1); short protein forms P1517S.
Identifiers: ClinVar variation 664843 (VCV000664843.7), dbSNP rs369136227, ClinGen allele CA8948823.

ClinVar aggregate classification (germline): Uncertain significance (1 of 4 stars; one submission).

Conditions:
Vici syndrome (VICIS). Identifiers: Orphanet 1493, MedGen C1855772, MONDO:0009452, OMIM 242840.

Allele frequency attached by ClinVar (database versions not stated): TOPMed below 0.00001; ExAC 0.00001; gnomAD 0.00001; ESP Exome Variant Server 0.00008.
gnomAD v4.1: 4 of 1,614,086 alleles (0.00025%); highest among the groups gnomAD compares: Non-Finnish European, 0.00025%; no homozygotes.

Submission:

Labcorp Genetics (formerly Invitae), Labcorp
Classification: Uncertain significance for Vici syndrome. Last evaluated: 2021-09-01. Review status: criteria provided, single submitter. Criteria: Invitae Variant Classification Sherloc (09022015). Collection method: clinical testing. Allele origin: germline.
Comment: This sequence change replaces proline with serine at codon 1517 of the EPG5 protein (p.Pro1517Ser). The proline residue is moderately conserved and there is a moderate physicochemical difference between proline and serine. This variant is present in population databases (rs369136227, ExAC 0.009%). This variant has not been reported in the literature in individuals affected with EPG5-related conditions. Algorithms developed to predict the effect of missense changes on protein structure and function are either unavailable or do not agree on the potential impact of this missense change (SIFT: "Tolerated"; PolyPhen-2: "Probably Damaging"; Align-GVGD: "Class C0"). In summary, the available evidence is currently insufficient to determine the role of this variant in disease. Therefore, it has been classified as a Variant of Uncertain Significance.